The following is an entry in ClinVar:

ClinVar aggregate classification (germline): Conflicting classifications of pathogenicity. Review status: criteria provided, conflicting classifications (1 of 4 stars). 7 submissions from 7 submitters: Uncertain significance (1); Likely benign (6). Last evaluated 2026-07-01.

Conditions:
Spastic paraplegia. Identifiers: MedGen C0037772, HP:0001258.
Hereditary spastic paraplegia 15 (SPG15). Also called: SPASTIC PARAPLEGIA 15, AUTOSOMAL RECESSIVE; KJELLIN SYNDROME; SPASTIC PARAPLEGIA AND RETINAL DEGENERATION. Identifiers: Orphanet 100996, MedGen C1849128, MONDO:0010044, OMIM 270700.

Allele frequency attached by ClinVar (database versions not stated): 1000 Genomes Project 30x 0.00016; 1000 Genomes Project 0.00020; TOPMed 0.00039; gnomAD 0.00043; gnomAD exomes 0.00047 and 0.00076; ExAC 0.00067; ESP Exome Variant Server 0.00100.
gnomAD v4.1: 1,166 of 1,612,986 alleles (0.072%); highest among the groups gnomAD compares: Non-Finnish European, 0.094%; no homozygotes.

Submissions (7):

CeGaT Center for Human Genetics Tuebingen
Classification: Likely benign. Last evaluated: 2026-07-01. Review status: criteria provided, single submitter. Criteria: CeGaT Center For Human Genetics Tuebingen Variant Classification Criteria Version 2. Collection method: clinical testing. Allele origin: germline. Affected: yes. Observed: 3 variant alleles.
Comment: ZFYVE26: BP4, BP7

Labcorp Genetics (formerly Invitae), Labcorp
Classification: Likely benign for Spastic paraplegia. Last evaluated: 2025-12-23. Review status: criteria provided, single submitter. Criteria: Invitae Variant Classification Sherloc (09022015). Collection method: clinical testing. Allele origin: germline.

Mayo Clinic Laboratories, Mayo Clinic
Classification: Likely benign. Last evaluated: 2025-08-07. Review status: criteria provided, single submitter. Criteria: ACMG Guidelines, 2015. Collection method: clinical testing. Allele origin: germline. Observed: 2 variant alleles.
Comment: BP4, BP7

Blueprint Genetics
Classification: Likely benign. Last evaluated: 2024-11-07. Review status: criteria provided, single submitter. Criteria: ACMG Guidelines, 2015. Collection method: clinical testing. Allele origin: germline.

Athena Diagnostics
Classification: Likely benign. Last evaluated: 2024-04-26. Review status: criteria provided, single submitter. Criteria: Athena Diagnostics Criteria. Collection method: clinical testing. Allele origin: unknown.

GeneDx
Classification: Likely benign. Last evaluated: 2018-08-01. Review status: criteria provided, single submitter. Criteria: GeneDx Variant Classification Process June 2021. Collection method: clinical testing. Allele origin: germline. Affected: yes.

Illumina Laboratory Services, Illumina
Classification: Uncertain significance for Hereditary spastic paraplegia 15. Last evaluated: 2018-01-13. Review status: criteria provided, single submitter. Criteria: ICSL Variant Classification Criteria 13 December 2019. Collection method: clinical testing. Allele origin: germline.

NM_015346.4(ZFYVE26):c.30T>G (p.Ala10=)

Gene: ZFYVE26 (zinc finger FYVE-type containing 26; minus strand). Cytogenetic location: 14q24.1.
Variant type: single nucleotide variant.
Coding change: c.30T>G on transcript NM_015346.4 (MANE Select); coding-DNA position 30, T replaced by G.
Protein change: p.Ala10=; no amino-acid change (alanine 10 retained).
Molecular consequence: synonymous variant.
Genome position (GRCh38, 1-based): chr14:67,815,934, A>C on the plus strand (T>G on the coding strand, the complement: ZFYVE26 is on the minus strand). VCF-style: chr14-67815934-A-C. GRCh37 (hg19) VCF-style: chr14-68282651-A-C.
Other names: p.Ala10=.
Identifiers: ClinVar variation 313935 (VCV000313935.36), dbSNP rs141905183, ClinGen allele CA7240902.
Genomic context (GRCh38, chr14:67,815,934, plus strand): 5'-CTCCCATTCTCCCCTCCGCAGGCATTCGCAGAAAAATCCAAAAAGCTGCTTCTGCGAAGC[A>C]GCTTCCTCTTTTCCAAATGGATGATTCATTTTCCCAGCACAGAGTGCAGGGAGATACAAA-3'
Protein context (NP_056161.2, residues 1-20): MNHPFGKEE[Ala10=]ASQKQLFGFF